The following is an entry in ClinVar:

ClinVar aggregate classification (germline): Uncertain significance (1 of 4 stars; one submission).

Submission:

Women's Health and Genetics/Laboratory Corporation of America, LabCorp
Classification: Uncertain significance. Last evaluated: 2026-05-14. Review status: criteria provided, single submitter. Criteria: LabCorp Variant Classification Summary - May 2015. Collection method: clinical testing. Allele origin: germline.
Comment: Variant summary: PDE2A c.649C>T (p.Gln217X) results in a premature termination codon, predicted to cause a truncation of the encoded protein or absence of the protein due to nonsense mediated decay, however current evidence is not sufficient to establish loss of function as a mechanism for disease. The variant was absent in 148590 control chromosomes. The available data on variant occurrences in the general population are insufficient to allow any conclusion about variant significance. To our knowledge, no occurrence of c.649C>T in individuals affected with PDE2A-related conditions and no experimental evidence demonstrating its impact on protein function have been reported. No submitters have cited clinical-significance assessments for this variant to ClinVar. Based on the evidence outlined above, the variant was classified as uncertain significance.

NM_002599.5(PDE2A):c.649C>T (p.Gln217Ter)

Gene: PDE2A (phosphodiesterase 2A; minus strand). Cytogenetic location: 11q13.4.
Variant type: single nucleotide variant.
Coding change: c.649C>T on transcript NM_002599.5 (MANE Select); coding-DNA position 649, C replaced by T.
Protein change: p.Gln217Ter; replaces glutamine 217 with a stop codon.
Molecular consequence: nonsense.
Genome position (GRCh38, 1-based): chr11:72,590,481, G>A on the plus strand (C>T on the coding strand, the complement: PDE2A is on the minus strand). VCF-style: chr11-72590481-G-A. GRCh37 (hg19) VCF-style: chr11-72301525-G-A.
Other names: c.628C>T, p.Gln210Ter (NM_001143839.4); c.622C>T, p.Gln208Ter (NM_001146209.3); c.586C>T, p.Gln196Ter (NM_001243784.2); short protein forms Q196*, Q208*, Q210*, Q217*.
Identifiers: ClinVar variation 4853088 (VCV004853088.1).